The following is an entry in ClinVar:

ClinVar aggregate classification (germline): Uncertain significance (1 of 4 stars; one submission).

Allele frequency attached by ClinVar (database versions not stated): TOPMed below 0.00001; gnomAD exomes 0.00001 and 0.00002; ExAC 0.00002; gnomAD 0.00003.
gnomAD v4.1: 36 of 1,612,726 alleles (0.0022%); highest among the groups gnomAD compares: Non-Finnish European, 0.0031%; no homozygotes.

Submission:

Labcorp Genetics (formerly Invitae), Labcorp
Classification: Uncertain significance. Last evaluated: 2025-07-08. Review status: criteria provided, single submitter. Criteria: Invitae Variant Classification Sherloc (09022015). Collection method: clinical testing. Allele origin: germline.
Comment: This sequence change replaces proline, which is neutral and non-polar, with arginine, which is basic and polar, at codon 4974 of the PCLO protein (p.Pro4974Arg). This variant is present in population databases (rs763271856, gnomAD 0.003%). This variant has not been reported in the literature in individuals affected with PCLO-related conditions. ClinVar contains an entry for this variant (Variation ID: 1477256). Experimental studies and prediction algorithms are not available or were not evaluated, and the functional significance of this variant is currently unknown. In summary, the available evidence is currently insufficient to determine the role of this variant in disease. Therefore, it has been classified as a Variant of Uncertain Significance.

NM_033026.6(PCLO):c.14921C>G (p.Pro4974Arg)

Genes: PCLO (piccolo presynaptic cytomatrix protein; minus strand), LOC126860089 (MED14-independent group 3 enhancer GRCh37_chr7:82434470-82435669; plus strand). Cytogenetic location: 7q21.11.
Variant type: single nucleotide variant.
Coding change: c.14921C>G on transcript NM_033026.6 (MANE Select); coding-DNA position 14921, C replaced by G.
Protein change: p.Pro4974Arg; replaces proline 4974 with arginine.
Molecular consequence: missense variant.
Genome position (GRCh38, 1-based): chr7:82,805,700, G>C on the plus strand (C>G on the coding strand, the complement: PCLO is on the minus strand). VCF-style: chr7-82805700-G-C. GRCh37 (hg19) VCF-style: chr7-82435016-G-C.
Other names: short protein forms P4974R.
Identifiers: ClinVar variation 1477256 (VCV001477256.8), dbSNP rs763271856, ClinGen allele CA4318685.